The following is an entry in ClinVar:

ClinVar aggregate classification (germline): Uncertain significance (1 of 4 stars; one submission).

Conditions:
Cardiovascular phenotype. Identifiers: MedGen CN230736.

Submission:

Ambry Genetics
Classification: Uncertain significance for Cardiovascular phenotype. Last evaluated: 2024-03-30. Review status: criteria provided, single submitter. Criteria: Ambry Variant Classification Scheme 2023. Collection method: clinical testing. Allele origin: germline.
Comment: The p.D3041H variant (also known as c.9121G>C), located in coding exon 38 of the ANK2 gene, results from a G to C substitution at nucleotide position 9121. The aspartic acid at codon 3041 is replaced by histidine, an amino acid with similar properties. This amino acid position is conserved. In addition, this alteration is predicted to be deleterious by in silico analysis. Based on the available evidence, the clinical significance of this alteration remains unclear.

NM_001148.6(ANK2):c.9121G>C (p.Asp3041His)

Gene: ANK2 (ankyrin 2; plus strand). Cytogenetic location: 4q26.
Variant type: single nucleotide variant.
Coding change: c.9121G>C on transcript NM_001148.6 (MANE Select); coding-DNA position 9121, G replaced by C.
Protein change: p.Asp3041His; replaces aspartic acid 3041 with histidine.
Molecular consequence: missense variant. On other transcripts: intron variant (68).
Genome position (GRCh38, 1-based): chr4:113,357,739, G>C. VCF-style: chr4-113357739-G-C. GRCh37 (hg19) VCF-style: chr4-114278895-G-C.
Other names: c.8887G>C, p.Asp2963His (NM_001386142.1); c.5521G>C, p.Asp1841His (NM_001386166.1); c.9262G>C, p.Asp3088His (NM_001386174.1); c.9238G>C, p.Asp3080His (NM_001386175.1); c.4412-3084G>C (NM_001386186.2, NM_001386148.2); c.4214-3084G>C (NM_001354269.3); c.4292-3084G>C (NM_001386187.2); c.4253-3084G>C (NM_001386147.1); and 35 more; short protein forms D1841H, D3088H, D3041H, D2963H, D3080H.
Identifiers: ClinVar variation 3294782 (VCV003294782.1).